The following is an entry in ClinVar:

NM_001170700.3(DTHD1):c.2011G>A (p.Gly671Arg)

Gene: DTHD1 (death domain containing 1; plus strand). Cytogenetic location: 4p14.
Variant type: single nucleotide variant.
Coding change: c.2011G>A on transcript NM_001170700.3 (MANE Select); coding-DNA position 2011, G replaced by A.
Protein change: p.Gly671Arg; replaces glycine 671 with arginine.
Molecular consequence: missense variant. On other transcripts: non-coding transcript variant (2).
Genome position (GRCh38, 1-based): chr4:36,308,409, G>A. VCF-style: chr4-36308409-G-A. GRCh37 (hg19) VCF-style: chr4-36310031-G-A.
Other names: c.1141G>A, p.Gly381Arg (NM_001136536.5); c.1078G>A, p.Gly360Arg (NM_001378435.1); short protein forms G360R, G381R, G671R.
Identifiers: ClinVar variation 1515574 (VCV001515574.7), dbSNP rs1355649495, ClinGen allele CA356681107.

ClinVar aggregate classification (germline): Uncertain significance. Review status: criteria provided, multiple submitters, no conflicts (2 of 4 stars). 2 submissions from 2 submitters: Uncertain significance (2). Last evaluated 2025-01-06.

Allele frequency attached by ClinVar (database versions not stated): gnomAD exomes below 0.00001; TOPMed below 0.00001.
gnomAD v4.1: 2 of 1,551,878 alleles (0.00013%); highest among the groups gnomAD compares: Middle Eastern, 0.017%; no homozygotes.

Submissions (2):

Labcorp Genetics (formerly Invitae), Labcorp
Classification: Uncertain significance. Last evaluated: 2025-01-06. Review status: criteria provided, single submitter. Criteria: Invitae Variant Classification Sherloc (09022015). Collection method: clinical testing. Allele origin: germline.
Comment: This sequence change replaces glycine, which is neutral and non-polar, with arginine, which is basic and polar, at codon 381 of the DTHD1 protein (p.Gly381Arg). This variant is not present in population databases (gnomAD no frequency). This variant has not been reported in the literature in individuals affected with DTHD1-related conditions. ClinVar contains an entry for this variant (Variation ID: 1515574). An algorithm developed to predict the effect of missense changes on protein structure and function (PolyPhen-2) suggests that this variant is likely to be disruptive. In summary, the available evidence is currently insufficient to determine the role of this variant in disease. Therefore, it has been classified as a Variant of Uncertain Significance.

Blueprint Genetics
Classification: Uncertain significance. Last evaluated: 2023-03-20. Review status: criteria provided, single submitter. Criteria: ACMG Guidelines, 2015. Collection method: clinical testing. Allele origin: germline.